The following is an entry in ClinVar:

NM_014165.4(NDUFAF4):c.420G>A (p.Gln140=)

Gene: NDUFAF4 (NADH:ubiquinone oxidoreductase complex assembly factor 4; minus strand). Cytogenetic location: 6q16.1.
Variant type: single nucleotide variant.
Coding change: c.420G>A on transcript NM_014165.4 (MANE Select); coding-DNA position 420, G replaced by A.
Protein change: p.Gln140=; no amino-acid change (glutamine 140 retained).
Molecular consequence: synonymous variant.
Genome position (GRCh38, 1-based): chr6:96,891,212, C>T on the plus strand (G>A on the coding strand, the complement: NDUFAF4 is on the minus strand). VCF-style: chr6-96891212-C-T. GRCh37 (hg19) VCF-style: chr6-97339088-C-T.
Identifiers: ClinVar variation 129692 (VCV000129692.24), dbSNP rs11402, ClinGen allele CA153855.

ClinVar aggregate classification (germline): Benign. Review status: criteria provided, multiple submitters, no conflicts (2 of 4 stars). 6 submissions from 6 submitters: Benign (4). 2 of the submissions do not count toward it. Last evaluated 2026-02-03.

Conditions:
Mitochondrial complex I deficiency, nuclear type 1. Also called: NADH-COENZYME Q REDUCTASE DEFICIENCY; MITOCHONDRIAL NADH DEHYDROGENASE COMPONENT OF COMPLEX I, DEFICIENCY OF. Identifiers: MedGen C6022305, MONDO:0100224, OMIM 252010.
Mitochondrial complex I deficiency, nuclear type 15. Also called: Mitochondrial complex 1 deficiency, nuclear type 15. Identifiers: MedGen C4748778, MONDO:0032620, OMIM 618237.

Allele frequency attached by ClinVar (database versions not stated): gnomAD exomes 0.87859 and 0.89656; ESP Exome Variant Server 0.89217; ExAC 0.89442; gnomAD 0.90128 and 0.90252; TOPMed 0.90681; 1000 Genomes Project 0.93391; 1000 Genomes Project 30x 0.93457.
gnomAD v4.1: 1,421,258 of 1,612,936 alleles (88%); highest among the groups gnomAD compares: East Asian, 100%; 626,992 homozygotes.

Submissions (6):

Labcorp Genetics (formerly Invitae), Labcorp
Classification: Benign. Last evaluated: 2026-02-03. Review status: criteria provided, single submitter. Criteria: Invitae Variant Classification Sherloc (09022015). Collection method: clinical testing. Allele origin: germline.

Genome-Nilou Lab
Classification: Benign for Mitochondrial complex I deficiency, nuclear type 15. Last evaluated: 2021-09-05. Review status: criteria provided, single submitter. Criteria: ACMG Guidelines, 2015. Collection method: clinical testing. Allele origin: germline. Affected: no.

Illumina Laboratory Services, Illumina
Classification: Benign for Mitochondrial complex I deficiency, nuclear type 1. Last evaluated: 2018-01-13. Review status: criteria provided, single submitter. Criteria: ICSL Variant Classification Criteria 13 December 2019. Collection method: clinical testing. Allele origin: germline.
Comment: This variant was observed in the ICSL laboratory as part of a predisposition screen in an ostensibly healthy population. It had not been previously curated by ICSL or reported in the Human Gene Mutation Database (HGMD: prior to June 1st, 2018), and was therefore a candidate for classification through an automated scoring system. Utilizing variant allele frequency, disease prevalence and penetrance estimates, and inheritance mode, an automated score was calculated to assess if this variant is too frequent to cause the disease. Based on the score and internal cut-off values, a variant classified as benign is not then subjected to further curation. The score for this variant resulted in a classification of benign for this disease.

GeneDx
Classification: Benign. Last evaluated: 2015-03-03. Review status: criteria provided, single submitter. Criteria: GeneDx Variant Classification Process June 2021. Collection method: clinical testing. Allele origin: germline. Affected: yes.

Mayo Clinic Laboratories, Mayo Clinic
Classification: Benign. Last evaluated: 2016-02-19. Review status: no assertion criteria provided. Collection method: clinical testing. Allele origin: unknown. Not counted in ClinVar's aggregate classification.

Genetic Services Laboratory, University of Chicago
Classification: Likely benign for AllHighlyPenetrant. Review status: no assertion criteria provided. Collection method: clinical testing. Allele origin: germline. Inheritance: Autosomal recessive inheritance. Not counted in ClinVar's aggregate classification.
Comment: Likely benign based on allele frequency in 1000 Genomes Project or ESP global frequency and its presence in a patient with a rare or unrelated disease phenotype. NOT Sanger confirmed.